The following is an entry in ClinVar:

NM_000350.3(ABCA4):c.6386+3A>C

Gene: ABCA4 (ATP binding cassette subfamily A member 4; minus strand). Cytogenetic location: 1p22.1.
Variant type: single nucleotide variant.
Coding change: c.6386+3A>C on transcript NM_000350.3 (MANE Select); 3 bases into the intron after coding-DNA position 6386, A replaced by C.
Molecular consequence: intron variant.
Genome position (GRCh38, 1-based): chr1:94,000,999, T>G on the plus strand (A>C on the coding strand, the complement: ABCA4 is on the minus strand). VCF-style: chr1-94000999-T-G. GRCh37 (hg19) VCF-style: chr1-94466555-T-G.
Identifiers: ClinVar variation 1488440 (VCV001488440.6), dbSNP rs2100993868, ClinGen allele CA2573132673.

ClinVar aggregate classification (germline): Uncertain significance (1 of 4 stars; one submission).

Submission:

Labcorp Genetics (formerly Invitae), Labcorp
Classification: Uncertain significance. Last evaluated: 2022-08-09. Review status: criteria provided, single submitter. Criteria: Invitae Variant Classification Sherloc (09022015). Collection method: clinical testing. Allele origin: germline.
Comment: In summary, the available evidence is currently insufficient to determine the role of this variant in disease. Therefore, it has been classified as a Variant of Uncertain Significance. Variants that disrupt the consensus splice site are a relatively common cause of aberrant splicing (PMID: 17576681, 9536098). Algorithms developed to predict the effect of sequence changes on RNA splicing suggest that this variant may disrupt the consensus splice site. ClinVar contains an entry for this variant (Variation ID: 1488440). This variant has not been reported in the literature in individuals affected with ABCA4-related conditions. This variant is not present in population databases (gnomAD no frequency). This sequence change falls in intron 46 of the ABCA4 gene. It does not directly change the encoded amino acid sequence of the ABCA4 protein. It affects a nucleotide within the consensus splice site.

Literature cited by the submitters: PubMed 17576681; PubMed 9536098.